The following is an entry in ClinVar:

NM_006231.4(POLE):c.1597G>A (p.Val533Met)

Gene: POLE (DNA polymerase epsilon, catalytic subunit; minus strand). Cytogenetic location: 12q24.33.
Variant type: single nucleotide variant.
Coding change: c.1597G>A on transcript NM_006231.4 (MANE Select); coding-DNA position 1597, G replaced by A.
Protein change: p.Val533Met; replaces valine 533 with methionine.
Molecular consequence: missense variant.
Genome position (GRCh38, 1-based): chr12:132,672,716, C>T on the plus strand (G>A on the coding strand, the complement: POLE is on the minus strand). VCF-style: chr12-132672716-C-T. GRCh37 (hg19) VCF-style: chr12-133249302-C-T.
Other names: short protein forms V533M.
Identifiers: ClinVar variation 405832 (VCV000405832.31), dbSNP rs374140892, ClinGen allele CA6893901.

ClinVar aggregate classification (germline): Conflicting classifications of pathogenicity. Review status: criteria provided, conflicting classifications (1 of 4 stars). 7 submissions from 7 submitters: Uncertain significance (3); Likely benign (2). 2 of the submissions do not count toward it. Last evaluated 2026-02-03.

Conditions:
Colorectal cancer, susceptibility to, 12 (CRCS12). Also called: COLORECTAL CANCER, SUSCEPTIBILITY TO, ON CHROMOSOME 12q24. Identifiers: Orphanet 220460, MedGen C3554460, MONDO:0014038, OMIM 615083.
POLE-related disorder. Also called: POLE-related condition; POLE-related disorders.
Hereditary cancer. Identifiers: MedGen C1333600.
Hereditary cancer-predisposing syndrome. Also called: Neoplastic Syndromes, Hereditary; Tumor predisposition; Hereditary neoplastic syndrome; Hereditary Cancer Syndrome. Identifiers: Orphanet 140162, MedGen C0027672, MeSH D009386, MONDO:0015356.

Allele frequency attached by ClinVar (database versions not stated): gnomAD exomes 0.00004 and 0.00001; ESP Exome Variant Server 0.00008; gnomAD 0.00018 and 0.00016; ExAC 0.00005; TOPMed 0.00016.
gnomAD v4.1: 44 of 1,614,042 alleles (0.0027%); highest among the groups gnomAD compares: African/African-American, 0.048%; no homozygotes.

Submissions (7):

Labcorp Genetics (formerly Invitae), Labcorp
Classification: Likely benign. Last evaluated: 2026-02-03. Review status: criteria provided, single submitter. Criteria: Invitae Variant Classification Sherloc (09022015). Collection method: clinical testing. Allele origin: germline.

Ambry Genetics
Classification: Uncertain significance for Hereditary cancer-predisposing syndrome. Last evaluated: 2026-01-07. Review status: criteria provided, single submitter. Criteria: Ambry Variant Classification Scheme 2023. Collection method: clinical testing. Allele origin: germline.
Comment: The p.V533M variant (also known as c.1597G>A), located in coding exon 15 of the POLE gene, results from a G to A substitution at nucleotide position 1597. The valine at codon 533 is replaced by methionine, an amino acid with highly similar properties. This amino acid position is highly conserved in available vertebrate species. In addition, this alteration is predicted to be tolerated by in silico analysis. Based on the available evidence, the clinical significance of this variant remains unclear.

GeneDx
Classification: Uncertain significance. Last evaluated: 2024-02-25. Review status: criteria provided, single submitter. Criteria: GeneDx Variant Classification Process June 2021. Collection method: clinical testing. Allele origin: germline. Affected: yes.
Comment: In silico analysis supports that this missense variant does not alter protein structure/function; Observed in individuals with cervical, breast, and/or thyroid cancer (PMID: 32098697, 35534704); This variant is associated with the following publications: (PMID: 31240875, 32098697, 36315513, 35534704)

Mendelics
Classification: Likely benign for Hereditary cancer. Last evaluated: 2024-01-23. Review status: criteria provided, single submitter. Criteria: ACMG Guidelines, 2015. Collection method: clinical testing. Allele origin: unknown.

St. Jude Molecular Pathology, St. Jude Children's Research Hospital
Classification: Uncertain significance for Colorectal cancer, susceptibility to, 12. Last evaluated: 2023-07-11. Review status: criteria provided, single submitter. Criteria: St. Jude Assertion Criteria 2020. Collection method: clinical testing. Allele origin: germline.
Comment: The POLE c.1597G>A (p.Val533Met) missense change has a maximum subpopulation frequency of 0.044% in gnomAD v2.1.1. The in silico tool REVEL predicts a benign effect on protein function, but to our knowledge this prediction has not been confirmed by functional studies. This variant has been observed in a colorectal tumor that did not exhibit a hypermutator phenotype (PMID: 31240875). In summary, the evidence currently available is insufficient to determine the clinical significance of this variant. It has therefore been classified as of uncertain significance.

PreventionGenetics, part of Exact Sciences
Classification: Uncertain significance for POLE-related condition. Last evaluated: 2024-03-13. Review status: no assertion criteria provided. Collection method: clinical testing. Allele origin: germline. Not counted in ClinVar's aggregate classification.
Comment: The POLE c.1597G>A variant is predicted to result in the amino acid substitution p.Val533Met. This variant along with c.6751T>C, p.Phe2251Leu in POLE, as well as pathogenic variants in PIK3CA and PTEN genes was found in dysplastic and invasive tumor components obtained from a cervical cancer specimen (Table 1, Vormittag-Nocito et al. 2020. PubMed ID: 32098697). This variant is reported in 0.044% of alleles in individuals of African descent in gnomAD. In ClinVar, this variant is interpreted as likely benign/uncertain. Although we suspect that this variant may be benign, at this time, the clinical significance of this variant is uncertain due to the absence of conclusive functional and genetic evidence.

Department of Pathology and Laboratory Medicine, Sinai Health System
Classification: Uncertain significance. Review status: no assertion criteria provided. Collection method: clinical testing. Allele origin: unknown. Affected: yes. Study: The Canadian Open Genetics Repository (COGR). Not counted in ClinVar's aggregate classification.
Comment: The POLE p.Val533Met variant was not identified in the literature but was found in dbSNP (ID: rs374140892), ClinVar (classified as a VUS by Invitae and Ambry Genetics) and Cosmic (FATHMM predicted pathogenic; score=0.97). The variant was also identified in control databases in 13 of 282016 chromosomes at a frequency of 0.000046 (Genome Aggregation Database Feb 27, 2017). The variant was observed in the following populations: African in 11 of 24814 chromosomes (freq: 0.000443), Ashkenazi Jewish in 1 of 10322 chromosomes (freq: 0.000097) and Latino in 1 of 35400 chromosomes (freq: 0.000028), while the variant was not observed in the East Asian, European (Finnish), European (non-Finnish), Other, and South Asian populations. The p.Val533 residue is not conserved in mammals and four out of five computational analyses (PolyPhen-2, SIFT, AlignGVGD, BLOSUM) do not suggest a high likelihood of impact to the protein; however, this information is not predictive enough to rule out pathogenicity. In summary, based on the above information the clinical significance of this variant cannot be determined with certainty at this time. This variant is classified as a variant of uncertain significance.